The following is an entry in ClinVar:

ClinVar aggregate classification (germline): Likely benign (1 of 4 stars; one submission).

Allele frequency attached by ClinVar (database versions not stated): TOPMed 0.00010; gnomAD 0.00014; 1000 Genomes Project 30x 0.00016; 1000 Genomes Project 0.00020; gnomAD exomes 0.00031; ExAC 0.00070.
gnomAD v4.1: 117 of 471,138 alleles (0.025%); highest among the groups gnomAD compares: South Asian, 0.12%; 1 homozygote.

Submission:

CeGaT Center for Human Genetics Tuebingen
Classification: Likely benign. Last evaluated: 2023-06-01. Review status: criteria provided, single submitter. Criteria: CeGaT Center For Human Genetics Tuebingen Variant Classification Criteria Version 2. Collection method: clinical testing. Allele origin: germline. Affected: yes. Observed: 2 variant alleles.
Comment: ARID1B: BS1

NM_001374828.1(ARID1B):c.3919+2029G>A

Gene: ARID1B (AT-rich interaction domain 1B; plus strand). Cytogenetic location: 6q25.3.
Variant type: single nucleotide variant.
Coding change: c.3919+2029G>A on transcript NM_001374828.1 (MANE Select); 2029 bases into the intron after coding-DNA position 3919, G replaced by A.
Molecular consequence: intron variant.
Genome position (GRCh38, 1-based): chr6:157,186,464, G>A. VCF-style: chr6-157186464-G-A. GRCh37 (hg19) VCF-style: chr6-157507598-G-A.
Other names: c.3799+2029G>A (NM_001371656.1, NM_001374820.1); c.3760+2029G>A (NM_017519.3); c.1420+2029G>A (NM_001363725.2).
Identifiers: ClinVar variation 2571266 (VCV002571266.27), dbSNP rs566480933, ClinGen allele CA4067462.
Genomic context (GRCh38, chr6:157,186,464, plus strand): 5'-AGCCTCCTGGTCTCGTCCAGCCCCGAGAGCGCGTGCAGGGGGCTCCAGGCACACACAGGC[G>A]TCTGGGGGTCGCAGGCAGAGGCACCCTGGTCTTCAGAAGCCTCTCGATTCACTGCCACCC-3'